The following is an entry in ClinVar:

NM_000179.3(MSH6):c.2035T>G (p.Leu679Val)

Gene: MSH6 (mutS homolog 6; plus strand). Cytogenetic location: 2p16.3.
Variant type: single nucleotide variant.
Coding change: c.2035T>G on transcript NM_000179.3 (MANE Select); coding-DNA position 2035, T replaced by G.
Protein change: p.Leu679Val; replaces leucine 679 with valine.
Molecular consequence: missense variant.
Genome position (GRCh38, 1-based): chr2:47,800,018, T>G. VCF-style: chr2-47800018-T-G. GRCh37 (hg19) VCF-style: chr2-48027157-T-G.
Other names: c.1645T>G, p.Leu549Val (NM_001281492.2); c.1129T>G, p.Leu377Val (NM_001281493.2, NM_001281494.2); short protein forms L679V, L377V, L549V.
Identifiers: ClinVar variation 576711 (VCV000576711.9), dbSNP rs757741943, ClinGen allele CA346750732.

ClinVar aggregate classification (germline): Uncertain significance (1 of 4 stars; one submission).

Conditions:
Hereditary nonpolyposis colorectal neoplasms. Identifiers: MedGen C0009405, MeSH D003123.

Submission:

Labcorp Genetics (formerly Invitae), Labcorp
Classification: Uncertain significance for Hereditary nonpolyposis colorectal neoplasms. Last evaluated: 2018-04-18. Review status: criteria provided, single submitter. Criteria: Invitae Variant Classification Sherloc (09022015). Collection method: clinical testing. Allele origin: germline.
Comment: In summary, the available evidence is currently insufficient to determine the role of this variant in disease. Therefore, it has been classified as a Variant of Uncertain Significance. Algorithms developed to predict the effect of missense changes on protein structure and function do not agree on the potential impact of this missense change (SIFT: "Deleterious"; PolyPhen-2: "Probably Damaging"; Align-GVGD: "Class C0"). This variant has not been reported in the literature in individuals with MSH6-related disease. This variant is not present in population databases (ExAC no frequency). This sequence change replaces leucine with valine at codon 679 of the MSH6 protein (p.Leu679Val). The leucine residue is highly conserved and there is a small physicochemical difference between leucine and valine.